The following is an entry in ClinVar:

ClinVar aggregate classification (germline): Likely benign (1 of 4 stars; one submission).

gnomAD v4.1: 12 of 1,608,814 alleles (0.00075%); highest among the groups gnomAD compares: Admixed American, 0.0067%; no homozygotes.

Submission:

CeGaT Center for Human Genetics Tuebingen
Classification: Likely benign. Last evaluated: 2026-06-01. Review status: criteria provided, single submitter. Criteria: CeGaT Center For Human Genetics Tuebingen Variant Classification Criteria Version 2. Collection method: clinical testing. Allele origin: germline. Affected: yes. Observed: 1 variant allele.
Comment: MTSS2: BP4

NM_138383.3(MTSS2):c.1883C>T (p.Pro628Leu)

Gene: MTSS2 (MTSS I-BAR domain containing 2; minus strand). Cytogenetic location: 16q22.1.
Variant type: single nucleotide variant.
Coding change: c.1883C>T on transcript NM_138383.3 (MANE Select); coding-DNA position 1883, C replaced by T.
Protein change: p.Pro628Leu; replaces proline 628 with leucine.
Molecular consequence: missense variant.
Genome position (GRCh38, 1-based): chr16:70,664,038, G>A on the plus strand (C>T on the coding strand, the complement: MTSS2 is on the minus strand). VCF-style: chr16-70664038-G-A. GRCh37 (hg19) VCF-style: chr16-70697941-G-A.
Other names: short protein forms P628L.
Identifiers: ClinVar variation 4874083 (VCV004874083.2).